The following is an entry in ClinVar:

ClinVar aggregate classification (germline): Likely pathogenic (1 of 4 stars; one submission).

Conditions:
3-methylcrotonyl-CoA carboxylase 2 deficiency. Also called: 3 alpha methylcrotonyl-CoA carboxylase 2 deficiency; 3 alpha methylcrotonylglycinuria 2; MCC 2 deficiency; Methylcrotonylglycinuria type 2; METHYLCROTONYLGLYCINURIA, TYPE II. Identifiers: Orphanet 6, MedGen C1859499, MONDO:0008862, OMIM 210210.

gnomAD v4.1: 2 of 1,608,270 alleles (0.00012%); highest among the groups gnomAD compares: Non-Finnish European, 0.000085%; no homozygotes.

Submission:

Natera, Inc.
Classification: Likely pathogenic for 3-methylcrotonyl-CoA carboxylase 2 deficiency. Last evaluated: 2024-10-31. Review status: criteria provided, single submitter. Criteria: Natera Variant Classification Schema (03/2026). Collection method: clinical testing. Allele origin: germline.
Comment: The c.624+1G>A variant in MCCC2 is a canonical splice donor site variant predicted to affect pre-mRNA splicing, which may result in an abnormal transcript and altered protein product. This variant is expected to result in nonsense mediated decay, truncation, or a dysfunctional protein product. This variant is rare in the general population with a frequency below the threshold expected for the associated phenotype(s). Given the available evidence, this variant is classified as Likely Pathogenic.

NM_022132.5(MCCC2):c.624+1G>A

Gene: MCCC2 (methylcrotonyl-CoA carboxylase subunit 2; plus strand). Cytogenetic location: 5q13.2.
Variant type: single nucleotide variant.
Coding change: c.624+1G>A on transcript NM_022132.5 (MANE Select); the canonical splice donor site of the intron after coding-DNA position 624, G replaced by A.
Molecular consequence: splice donor variant.
Genome position (GRCh38, 1-based): chr5:71,604,469, G>A. VCF-style: chr5-71604469-G-A. GRCh37 (hg19) VCF-style: chr5-70900296-G-A.
Other names: c.624+1G>A (NM_001363147.1).
Identifiers: ClinVar variation 4816108 (VCV004816108.1).